The following is an entry in ClinVar:

ClinVar aggregate classification (germline): Uncertain significance (1 of 4 stars; one submission).

Submission:

GeneDx
Classification: Uncertain significance. Last evaluated: 2026-02-05. Review status: criteria provided, single submitter. Criteria: GeneDx Variant Classification Process June 2021. Collection method: clinical testing. Allele origin: germline.
Comment: Not observed at significant frequency in large population cohorts (gnomAD); In silico analysis suggests that this missense variant does not alter protein structure/function; Has not been previously published as pathogenic or benign to our knowledge

NM_015215.4(CAMTA1):c.3277G>A (p.Asp1093Asn)

Gene: CAMTA1 (calmodulin binding transcription activator 1; plus strand). Cytogenetic location: 1p36.23.
Variant type: single nucleotide variant.
Coding change: c.3277G>A on transcript NM_015215.4 (MANE Select); coding-DNA position 3277, G replaced by A.
Protein change: p.Asp1093Asn; replaces aspartic acid 1093 with asparagine.
Molecular consequence: missense variant.
Genome position (GRCh38, 1-based): chr1:7,736,944, G>A. VCF-style: chr1-7736944-G-A. GRCh37 (hg19) VCF-style: chr1-7797004-G-A.
Other names: c.349G>A, p.Asp117Asn (NM_001349622.2, NM_001349623.1, NM_001349624.3 and 10 more transcripts); c.3277G>A, p.Asp1093Asn (NM_001410737.1, NM_001349609.2, NM_001349610.2); c.3205G>A, p.Asp1069Asn (NM_001410738.1); c.3187G>A, p.Asp1063Asn (NM_001349608.2, NM_001349612.2); c.406G>A, p.Asp136Asn (NM_001349613.1); short protein forms D1063N, D1069N, D1093N, D117N, D136N.
Identifiers: ClinVar variation 4975966 (VCV004975966.1).